The following is an entry in ClinVar:

ClinVar aggregate classification (germline): Uncertain significance (1 of 4 stars; one submission).

Conditions:
Hereditary cancer-predisposing syndrome. Also called: Neoplastic Syndromes, Hereditary; Tumor predisposition; Hereditary neoplastic syndrome; Hereditary Cancer Syndrome. Identifiers: Orphanet 140162, MedGen C0027672, MeSH D009386, MONDO:0015356.

Submission:

Ambry Genetics
Classification: Uncertain significance for Hereditary cancer-predisposing syndrome. Last evaluated: 2024-03-21. Review status: criteria provided, single submitter. Criteria: Ambry Variant Classification Scheme 2023. Collection method: clinical testing. Allele origin: germline.
Comment: The p.S79R variant (also known as c.237C>A), located in coding exon 2 of the SUFU gene, results from a C to A substitution at nucleotide position 237. The serine at codon 79 is replaced by arginine, an amino acid with dissimilar properties. This amino acid position is conserved. In addition, this alteration is predicted to be tolerated by in silico analysis. Based on the available evidence, the clinical significance of this alteration remains unclear.

NM_016169.4(SUFU):c.237C>A (p.Ser79Arg)

Gene: SUFU (SUFU negative regulator of hedgehog signaling; plus strand). Cytogenetic location: 10q24.32.
Variant type: single nucleotide variant.
Coding change: c.237C>A on transcript NM_016169.4 (MANE Select); coding-DNA position 237, C replaced by A.
Protein change: p.Ser79Arg; replaces serine 79 with arginine.
Molecular consequence: missense variant.
Genome position (GRCh38, 1-based): chr10:102,509,223, C>A. VCF-style: chr10-102509223-C-A. GRCh37 (hg19) VCF-style: chr10-104268980-C-A.
Other names: c.237C>A, p.Ser79Arg (NM_001178133.2); short protein forms S79R.
Identifiers: ClinVar variation 3323536 (VCV003323536.1).